The following is an entry in ClinVar:

NM_015378.4(VPS13D):c.918A>G (p.Lys306=)

Gene: VPS13D (vacuolar protein sorting 13 homolog D; plus strand). Cytogenetic location: 1p36.22.
Variant type: single nucleotide variant.
Coding change: c.918A>G on transcript NM_015378.4 (MANE Select); coding-DNA position 918, A replaced by G.
Protein change: p.Lys306=; no amino-acid change (lysine 306 retained).
Molecular consequence: synonymous variant.
Genome position (GRCh38, 1-based): chr1:12,257,064, A>G. VCF-style: chr1-12257064-A-G. GRCh37 (hg19) VCF-style: chr1-12317121-A-G.
Other names: c.918A>G, p.Lys306= (NM_018156.4).
Identifiers: ClinVar variation 726963 (VCV000726963.13), dbSNP rs117559901, ClinGen allele CA601357.

ClinVar aggregate classification (germline): Benign. Review status: criteria provided, multiple submitters, no conflicts (2 of 4 stars). 3 submissions from 3 submitters: Benign (2). 1 of the submissions does not count toward it. Last evaluated 2026-04-01.

Conditions:
VPS13D-related disorder. Also called: VPS13D-related condition.

Allele frequency attached by ClinVar (database versions not stated): gnomAD 0.00006 and 0.00048; ESP Exome Variant Server 0.00008; TOPMed 0.00008; gnomAD exomes 0.00083 and 0.00158; ExAC 0.00189; 1000 Genomes Project 30x 0.00437; 1000 Genomes Project 0.00439.
gnomAD v4.1: 1,284 of 1,614,176 alleles (0.08%); highest among the groups gnomAD compares: South Asian, 1.3%; 14 homozygotes.

Submissions (3):

CeGaT Center for Human Genetics Tuebingen
Classification: Benign. Last evaluated: 2026-04-01. Review status: criteria provided, single submitter. Criteria: CeGaT Center For Human Genetics Tuebingen Variant Classification Criteria Version 2. Collection method: clinical testing. Allele origin: germline. Affected: yes. Observed: 1 variant allele.
Comment: VPS13D: BP4, BP7, BS1, BS2

Labcorp Genetics (formerly Invitae), Labcorp
Classification: Benign. Last evaluated: 2025-12-31. Review status: criteria provided, single submitter. Criteria: Invitae Variant Classification Sherloc (09022015). Collection method: clinical testing. Allele origin: germline.

PreventionGenetics, part of Exact Sciences
Classification: Benign for VPS13D-related condition. Last evaluated: 2020-01-23. Review status: no assertion criteria provided. Collection method: clinical testing. Allele origin: germline. Not counted in ClinVar's aggregate classification.
Comment: This variant is classified as benign based on ACMG/AMP sequence variant interpretation guidelines (Richards et al. 2015 PMID: 25741868, with internal and published modifications).